The following is an entry in ClinVar:

NM_016579.4(CD320):c.35G>T (p.Trp12Leu)

Gene: CD320 (CD320 molecule; minus strand). Cytogenetic location: 19p13.2.
Variant type: single nucleotide variant.
Coding change: c.35G>T on transcript NM_016579.4 (MANE Select); coding-DNA position 35, G replaced by T.
Protein change: p.Trp12Leu; replaces tryptophan 12 with leucine.
Molecular consequence: missense variant.
Genome position (GRCh38, 1-based): chr19:8,308,256, C>A on the plus strand (G>T on the coding strand, the complement: CD320 is on the minus strand). VCF-style: chr19-8308256-C-A. GRCh37 (hg19) VCF-style: chr19-8373140-C-A.
Other names: c.35G>T, p.Trp12Leu (NM_001165895.2); short protein forms W12L.
Identifiers: ClinVar variation 659247 (VCV000659247.12), dbSNP rs763898394, ClinGen allele CA9154868.

ClinVar aggregate classification (germline): Uncertain significance. Review status: criteria provided, multiple submitters, no conflicts (2 of 4 stars). 2 submissions from 2 submitters: Uncertain significance (2). Last evaluated 2025-10-08.

Conditions:
Methylmalonic acidemia due to transcobalamin receptor defect (MATR). Also called: METHYLMALONIC ACIDURIA, TRANSIENT, DUE TO TRANSCOBALAMIN RECEPTOR DEFECT; METHYLMALONIC ACIDEMIA, TCblR TYPE. Identifiers: Orphanet 280183, MedGen C4749905, MONDO:0013341, OMIM 613646.

Allele frequency attached by ClinVar (database versions not stated): gnomAD exomes 0.00011 and 0.00017; TOPMed 0.00015; gnomAD 0.00016 and 0.00017; ExAC 0.00025.
gnomAD v4.1: 279 of 1,583,808 alleles (0.018%); highest among the groups gnomAD compares: Middle Eastern, 0.05%; no homozygotes.

Submissions (2):

Labcorp Genetics (formerly Invitae), Labcorp
Classification: Uncertain significance for Methylmalonic acidemia due to transcobalamin receptor defect. Last evaluated: 2025-10-08. Review status: criteria provided, single submitter. Criteria: Invitae Variant Classification Sherloc (09022015). Collection method: clinical testing. Allele origin: germline.
Comment: This sequence change replaces tryptophan, which is neutral and slightly polar, with leucine, which is neutral and non-polar, at codon 12 of the CD320 protein (p.Trp12Leu). This variant is present in population databases (rs763898394, gnomAD 0.02%). This variant has not been reported in the literature in individuals affected with CD320-related conditions. ClinVar contains an entry for this variant (Variation ID: 659247). An algorithm developed to predict the effect of missense changes on protein structure and function outputs the following: PolyPhen-2: "Benign". The leucine amino acid residue is found in multiple mammalian species, which suggests that this missense change does not adversely affect protein function. In summary, the available evidence is currently insufficient to determine the role of this variant in disease. Therefore, it has been classified as a Variant of Uncertain Significance.

Ambry Genetics
Classification: Uncertain significance. Last evaluated: 2024-12-28. Review status: criteria provided, single submitter. Criteria: Ambry Variant Classification Scheme 2023. Collection method: clinical testing. Allele origin: germline.